The following is an entry in ClinVar:

NM_000789.4(ACE):c.1340C>T (p.Thr447Met)

Gene: ACE (angiotensin I converting enzyme; plus strand). Cytogenetic location: 17q23.3.
Variant type: single nucleotide variant.
Coding change: c.1340C>T on transcript NM_000789.4 (MANE Select); coding-DNA position 1340, C replaced by T.
Protein change: p.Thr447Met; replaces threonine 447 with methionine.
Molecular consequence: missense variant.
Genome position (GRCh38, 1-based): chr17:63,482,687, C>T. VCF-style: chr17-63482687-C-T. GRCh37 (hg19) VCF-style: chr17-61560048-C-T.
Other names: c.773C>T, p.Thr258Met (NM_001382700.1); c.488C>T, p.Thr163Met (NM_001382701.1); short protein forms T258M, T163M, T447M.
Identifiers: ClinVar variation 2181127 (VCV002181127.2), dbSNP rs746314800, ClinGen allele CA8699482.

ClinVar aggregate classification (germline): Uncertain significance. Review status: criteria provided, multiple submitters, no conflicts (2 of 4 stars). 2 submissions from 2 submitters: Uncertain significance (2). Last evaluated 2024-02-16.

Conditions:
Microvascular complications of diabetes, susceptibility to, 3. Identifiers: MedGen C2675470, MONDO:0012963, OMIM 612624.
Hemorrhage, intracerebral, susceptibility to (ICH). Also called: Stroke, hemorrhagic, susceptibility to. Identifiers: MedGen C3281105, MONDO:0100533, OMIM 614519.
Renal tubular dysgenesis of genetic origin. Also called: PRIMITIVE RENAL TUBULE SYNDROME. Identifiers: Orphanet 97369, MedGen C5681536, MONDO:0009970, OMIM 267430.

Allele frequency attached by ClinVar (database versions not stated): ExAC 0.00003; gnomAD 0.00003; gnomAD exomes 0.00003; TOPMed 0.00007.
gnomAD v4.1: 54 of 1,613,494 alleles (0.0033%); highest among the groups gnomAD compares: Middle Eastern, 0.016%; no homozygotes.

Submissions (2):

Fulgent Genetics
Classification: Uncertain significance for Renal tubular dysgenesis of genetic origin; Microvascular complications of diabetes, susceptibility to, 3; Hemorrhage, intracerebral, susceptibility to. Last evaluated: 2024-02-16. Review status: criteria provided, single submitter. Criteria: ACMG Guidelines, 2015. Collection method: clinical testing. Allele origin: germline.

Labcorp Genetics (formerly Invitae), Labcorp
Classification: Uncertain significance. Last evaluated: 2022-04-29. Review status: criteria provided, single submitter. Criteria: Invitae Variant Classification Sherloc (09022015). Collection method: clinical testing. Allele origin: germline.
Comment: This sequence change replaces threonine, which is neutral and polar, with methionine, which is neutral and non-polar, at codon 447 of the ACE protein (p.Thr447Met). This variant is present in population databases (rs746314800, gnomAD 0.01%). This variant has not been reported in the literature in individuals affected with ACE-related conditions. Algorithms developed to predict the effect of missense changes on protein structure and function output the following: SIFT: "Tolerated"; PolyPhen-2: "Benign"; Align-GVGD: "Class C0". The methionine amino acid residue is found in multiple mammalian species, which suggests that this missense change does not adversely affect protein function. In summary, the available evidence is currently insufficient to determine the role of this variant in disease. Therefore, it has been classified as a Variant of Uncertain Significance.